The following is an entry in ClinVar:

NM_001035.3(RYR2):c.13080C>T (p.Ser4360=)

Genes: RYR2 (ryanodine receptor 2; plus strand), LOC126806068 (BRD4-independent group 4 enhancer GRCh37_chr1:237947411-237948610; plus strand). Cytogenetic location: 1q43.
Variant type: single nucleotide variant.
Coding change: c.13080C>T on transcript NM_001035.3 (MANE Select); coding-DNA position 13080, C replaced by T.
Protein change: p.Ser4360=; no amino-acid change (serine 4360 retained).
Molecular consequence: synonymous variant.
Genome position (GRCh38, 1-based): chr1:237,784,792, C>T. VCF-style: chr1-237784792-C-T. GRCh37 (hg19) VCF-style: chr1-237948092-C-T.
Other names: c.13080C>T, p.Ser4360= (LRG_402t1).
Identifiers: ClinVar variation 515485 (VCV000515485.16), dbSNP rs369964660, ClinGen allele CA085293.

ClinVar aggregate classification (germline): Likely benign. Review status: criteria provided, multiple submitters, no conflicts (2 of 4 stars). 6 submissions from 6 submitters: Likely benign (6). Last evaluated 2026-04-14.

Conditions:
Catecholaminergic polymorphic ventricular tachycardia (CVPT). Also called: Catecholamine-induced polymorphic ventricular tachycardia. Identifiers: Orphanet 3286, MedGen C5574922, MONDO:0017990.
Cardiovascular phenotype. Identifiers: MedGen CN230736.
Cardiomyopathy (CMYO). Also called: Cardiomyopathies. Identifiers: Orphanet 167848, MedGen C0878544, MONDO:0004994, HP:0001638. Inheritance: Various modes of inheritance.
Catecholaminergic polymorphic ventricular tachycardia 1. Also called: VENTRICULAR TACHYCARDIA, CATECHOLAMINERGIC POLYMORPHIC, 1, WITH OR WITHOUT ATRIAL DYSFUNCTION AND/OR DILATED CARDIOMYOPATHY; RYR2-Related Catecholaminergic Polymorphic Ventricular Tachycardia; VENTRICULAR TACHYCARDIA, STRESS-INDUCED POLYMORPHIC 1. Identifiers: Orphanet 3286, MedGen C1631597, MONDO:0011484, OMIM 604772.

Allele frequency attached by ClinVar (database versions not stated): gnomAD 0.00007 and 0.00008; TOPMed 0.00007; ESP Exome Variant Server 0.00008; ExAC 0.00003; gnomAD exomes 0.00003.
gnomAD v4.1: 26 of 1,610,580 alleles (0.0016%); highest among the groups gnomAD compares: African/African-American, 0.017%; no homozygotes.

Submissions (6):

Women's Health and Genetics/Laboratory Corporation of America, LabCorp
Classification: Likely benign. Last evaluated: 2026-04-14. Review status: criteria provided, single submitter. Criteria: LabCorp Variant Classification Summary - May 2015. Collection method: clinical testing. Allele origin: germline.

Labcorp Genetics (formerly Invitae), Labcorp
Classification: Likely benign for Catecholaminergic polymorphic ventricular tachycardia 1. Last evaluated: 2025-12-14. Review status: criteria provided, single submitter. Criteria: Invitae Variant Classification Sherloc (09022015). Collection method: clinical testing. Allele origin: germline.

All of Us Research Program, National Institutes of Health
Classification: Likely benign for Catecholaminergic polymorphic ventricular tachycardia. Last evaluated: 2023-12-07. Review status: criteria provided, single submitter. Criteria: ACMG Guidelines, 2015. Collection method: clinical testing. Allele origin: germline. Inheritance: Autosomal dominant inheritance. Observed: 6 variant alleles, 6 heterozygotes.
Comment: This study involves interpretation of variants in research participants for the purpose of population health screening. Participant phenotype was not available at the time of variant classification. Additional details can be found in publication PMID: 35346344, PMCID: PMC8962531

Ambry Genetics
Classification: Likely benign for Cardiovascular phenotype. Last evaluated: 2023-11-22. Review status: criteria provided, single submitter. Criteria: Ambry Variant Classification Scheme 2023. Collection method: clinical testing. Allele origin: germline.

Color Diagnostics, LLC DBA Color Health
Classification: Likely benign for Cardiomyopathy. Last evaluated: 2019-03-08. Review status: criteria provided, single submitter. Criteria: ACMG Guidelines, 2015. Collection method: clinical testing. Allele origin: germline.

GeneDx
Classification: Likely benign. Last evaluated: 2018-02-13. Review status: criteria provided, single submitter. Criteria: GeneDx Variant Classification (06012015). Collection method: clinical testing. Allele origin: germline. Affected: yes.
Comment: This variant is considered likely benign or benign based on one or more of the following criteria: it is a conservative change, it occurs at a poorly conserved position in the protein, it is predicted to be benign by multiple in silico algorithms, and/or has population frequency not consistent with disease.